The following is an entry in ClinVar:

ClinVar aggregate classification (germline): Uncertain significance. Review status: criteria provided, multiple submitters, no conflicts (2 of 4 stars). 3 submissions from 3 submitters: Uncertain significance (3). Last evaluated 2025-07-07.

Conditions:
Inborn genetic diseases. Identifiers: MedGen C0950123, MeSH D030342.
Developmental and epileptic encephalopathy, 11 (DEE11). Also called: Early infantile epileptic encephalopathy 11. Identifiers: Orphanet 1934, MedGen C3150987, MONDO:0013388, OMIM 613721.
Seizures, benign familial infantile, 3 (BFIS3). Also called: CONVULSIONS, BENIGN FAMILIAL INFANTILE, 3; Familial neonatal seizures. Identifiers: Orphanet 140927, Orphanet 306, MedGen C1843140, MONDO:0011904, OMIM 607745.

Allele frequency attached by ClinVar (database versions not stated): gnomAD exomes below 0.00001 and 0.00001; ExAC 0.00002; gnomAD 0.00002; TOPMed 0.00003.
gnomAD v4.1: 4 of 1,613,880 alleles (0.00025%); highest among the groups gnomAD compares: African/African-American, 0.004%; no homozygotes.

Submissions (3):

Labcorp Genetics (formerly Invitae), Labcorp
Classification: Uncertain significance for Seizures, benign familial infantile, 3; Developmental and epileptic encephalopathy, 11. Last evaluated: 2025-07-07. Review status: criteria provided, single submitter. Criteria: Invitae Variant Classification Sherloc (09022015). Collection method: clinical testing. Allele origin: germline.
Comment: This sequence change replaces lysine, which is basic and polar, with asparagine, which is neutral and polar, at codon 1034 of the SCN2A protein (p.Lys1034Asn). This variant is present in population databases (rs772956132, gnomAD 0.003%). This variant has not been reported in the literature in individuals affected with SCN2A-related conditions. ClinVar contains an entry for this variant (Variation ID: 1182376). Invitae Evidence Modeling of protein sequence and biophysical properties (such as structural, functional, and spatial information, amino acid conservation, physicochemical variation, residue mobility, and thermodynamic stability) indicates that this missense variant is not expected to disrupt SCN2A protein function with a negative predictive value of 95%. In summary, the available evidence is currently insufficient to determine the role of this variant in disease. Therefore, it has been classified as a Variant of Uncertain Significance.

GeneDx
Classification: Uncertain significance. Last evaluated: 2020-01-22. Review status: criteria provided, single submitter. Criteria: GeneDx Variant Classification Process June 2021. Collection method: clinical testing. Allele origin: germline. Affected: yes.
Comment: Not observed at a significant frequency in large population cohorts (Lek et al., 2016); The majority of missense variants in this gene are considered pathogenic (Stenson et al., 2014); In silico analysis, which includes protein predictors and evolutionary conservation, supports a deleterious effect; Has not been previously published as pathogenic or benign to our knowledge; This substitution is predicted to be in the cytoplasmic loop between the second and third homologous domain

Ambry Genetics
Classification: Uncertain significance for Inborn genetic diseases. Last evaluated: 2017-09-25. Review status: criteria provided, single submitter. Criteria: Ambry Variant Classification Scheme 2023. Collection method: clinical testing. Allele origin: germline.
Comment: The p.K1034N variant (also known as c.3102A>C), located in coding exon 16 of the SCN2A gene, results from an A to C substitution at nucleotide position 3102. The lysine at codon 1034 is replaced by asparagine, an amino acid with similar properties. This nucleotide position is not well conserved in available vertebrate species. This amino acid position is highly conserved in available vertebrate species. In addition, this alteration is predicted to be tolerated by in silico analysis. Since supporting evidence is limited at this time, the clinical significance of this alteration remains unclear.

NM_001040142.2(SCN2A):c.3102A>C (p.Lys1034Asn)

Gene: SCN2A (sodium voltage-gated channel alpha subunit 2; plus strand). Cytogenetic location: 2q24.3.
Variant type: single nucleotide variant.
Coding change: c.3102A>C on transcript NM_001040142.2 (MANE Select); coding-DNA position 3102, A replaced by C.
Protein change: p.Lys1034Asn; replaces lysine 1034 with asparagine.
Molecular consequence: missense variant.
Genome position (GRCh38, 1-based): chr2:165,354,374, A>C. VCF-style: chr2-165354374-A-C. GRCh37 (hg19) VCF-style: chr2-166210884-A-C.
Other names: c.3102A>C, p.Lys1034Asn (NM_001040143.2, NM_001371246.1, NM_001371247.1 and 1 more transcripts); short protein forms K1034N.
Identifiers: ClinVar variation 1182376 (VCV001182376.12), dbSNP rs772956132, ClinGen allele CA1940055.
Genomic context (GRCh38, chr2:165,354,374, plus strand): 5'-CGATTTTGTTAAAAGAAAAATACGTGAATTTATTCAGAAAGCCTTTGTTAGGAAGCAGAA[A>C]GCTTTAGATGAAATTAAACCGCTTGAAGATCTAAATAATAAAAAAGACAGCTGTATTTCC-3'
Protein context (NP_001035232.1, residues 1024-1044): FIQKAFVRKQ[Lys1034Asn]ALDEIKPLED